The following is an entry in ClinVar:

ClinVar aggregate classification (germline): Likely pathogenic (1 of 4 stars; one submission).

Submission:

GeneDx
Classification: Likely pathogenic. Last evaluated: 2022-06-19. Review status: criteria provided, single submitter. Criteria: GeneDx Variant Classification Process June 2021. Collection method: clinical testing. Allele origin: germline. Affected: yes.
Comment: Not observed at significant frequency in large population cohorts (gnomAD); In silico analysis supports that this missense variant has a deleterious effect on protein structure/function; Has not been previously published as pathogenic or benign to our knowledge

NM_001009999.3(KDM1A):c.1208A>C (p.Glu403Ala)

Gene: KDM1A (lysine demethylase 1A; plus strand). Cytogenetic location: 1p36.12.
Variant type: single nucleotide variant.
Coding change: c.1208A>C on transcript NM_001009999.3 (MANE Select); coding-DNA position 1208, A replaced by C.
Protein change: p.Glu403Ala; replaces glutamic acid 403 with alanine.
Genome position (GRCh38, 1-based): chr1:23,068,567, A>C. VCF-style: chr1-23068567-A-C. GRCh37 (hg19) VCF-style: chr1-23395060-A-C.
Other names: c.1136A>C, p.Glu379Ala (NM_001363654.2, NM_015013.4); short protein forms E379A, E403A.
Identifiers: ClinVar variation 1691768 (VCV001691768.2), dbSNP rs2124508402, ClinGen allele CA338964538.
Genomic context (GRCh38, chr1:23,068,567, plus strand): 5'-AGGACCAACTCTGCTATACTTCGGATTTTCAGGTTCCTAAAGAGAAAGATGAAATGGTAG[A>C]GCAAGAGTTTAACCGGTTGCTAGAAGCTACATCTTACCTTAGTCATCAACTAGACTTCAA-3'
Protein context (NP_001009999.1, residues 393-413): KVPKEKDEMV[Glu403Ala]QEFNRLLEAT